The following is an entry in ClinVar:

ClinVar aggregate classification (germline): Uncertain significance (1 of 4 stars; one submission).

Submission:

Labcorp Genetics (formerly Invitae), Labcorp
Classification: Uncertain significance. Last evaluated: 2025-11-03. Review status: criteria provided, single submitter. Criteria: Invitae Variant Classification Sherloc (09022015). Collection method: clinical testing. Allele origin: germline.
Comment: This sequence change replaces lysine, which is basic and polar, with asparagine, which is neutral and polar, at codon 537 of the BRD4 protein (p.Lys537Asn). This variant is not present in population databases (gnomAD no frequency). This variant has not been reported in the literature in individuals affected with BRD4-related conditions. ClinVar contains an entry for this variant (Variation ID: 2727811). Invitae Evidence Modeling of protein sequence and biophysical properties (such as structural, functional, and spatial information, amino acid conservation, physicochemical variation, residue mobility, and thermodynamic stability) indicates that this missense variant is not expected to disrupt BRD4 protein function with a negative predictive value of 80%. In summary, the available evidence is currently insufficient to determine the role of this variant in disease. Therefore, it has been classified as a Variant of Uncertain Significance.

NM_001379291.1(BRD4):c.1611G>C (p.Lys537Asn)

Gene: BRD4 (bromodomain containing 4; minus strand). Cytogenetic location: 19p13.12.
Variant type: single nucleotide variant.
Coding change: c.1611G>C on transcript NM_001379291.1 (MANE Select); coding-DNA position 1611, G replaced by C.
Protein change: p.Lys537Asn; replaces lysine 537 with asparagine.
Molecular consequence: missense variant.
Genome position (GRCh38, 1-based): chr19:15,256,204, C>G on the plus strand (G>C on the coding strand, the complement: BRD4 is on the minus strand). VCF-style: chr19-15256204-C-G. GRCh37 (hg19) VCF-style: chr19-15367015-C-G.
Other names: c.1611G>C, p.Lys537Asn (NM_001330384.2, NM_001379292.1, NM_014299.3 and 1 more transcripts); short protein forms K537N.
Identifiers: ClinVar variation 2727811 (VCV002727811.3), dbSNP rs2512559972, ClinGen allele CA404521104.